The following is an entry in ClinVar:

NM_005188.4(CBL):c.2510C>T (p.Ala837Val)

Gene: CBL (Cbl proto-oncogene; plus strand). Cytogenetic location: 11q23.3.
Variant type: single nucleotide variant.
Coding change: c.2510C>T on transcript NM_005188.4 (MANE Select); coding-DNA position 2510, C replaced by T.
Protein change: p.Ala837Val; replaces alanine 837 with valine.
Molecular consequence: missense variant.
Genome position (GRCh38, 1-based): chr11:119,299,570, C>T. VCF-style: chr11-119299570-C-T. GRCh37 (hg19) VCF-style: chr11-119170280-C-T.
Other names: short protein forms A837V.
Identifiers: ClinVar variation 4613854 (VCV004613854.1).

ClinVar aggregate classification (germline): Uncertain significance (1 of 4 stars; one submission).

Conditions:
Cardiovascular phenotype. Identifiers: MedGen CN230736.

Submission:

Ambry Genetics
Classification: Uncertain significance for Cardiovascular phenotype. Last evaluated: 2025-11-01. Review status: criteria provided, single submitter. Criteria: Ambry Variant Classification Scheme 2023. Collection method: clinical testing. Allele origin: germline.
Comment: The p.A837V variant (also known as c.2510C>T), located in coding exon 16 of the CBL gene, results from a C to T substitution at nucleotide position 2510. The alanine at codon 837 is replaced by valine, an amino acid with similar properties. This amino acid position is conserved. In addition, this alteration is predicted to be tolerated by in silico analysis. Based on the available evidence, the clinical significance of this variant remains unclear.